The following is an entry in ClinVar:

ClinVar aggregate classification (germline): Uncertain significance (1 of 4 stars; one submission).

Conditions:
Infantile liver failure syndrome 1 (ILFS1). Identifiers: Orphanet 370088, MedGen C3809522, MONDO:0024568, OMIM 615438.

Submission:

Baylor Genetics
Classification: Uncertain significance for Infantile liver failure syndrome 1. Last evaluated: 2017-09-01. Review status: criteria provided, single submitter. Criteria: ACMG Guidelines, 2015. Collection method: clinical testing. Allele origin: paternal. Inheritance: Autosomal recessive inheritance. Affected: yes.

Literature cited by the submitters: PubMed 25326635.

NM_020117.11(LARS1):c.242G>T (p.Gly81Val)

Gene: LARS1 (leucyl-tRNA synthetase 1; minus strand). Cytogenetic location: 5q32.
Variant type: single nucleotide variant.
Coding change: c.242G>T on transcript NM_020117.11 (MANE Select); coding-DNA position 242, G replaced by T.
Protein change: p.Gly81Val; replaces glycine 81 with valine.
Molecular consequence: missense variant. On other transcripts: intron variant (1).
Genome position (GRCh38, 1-based): chr5:146,171,962, C>A on the plus strand (G>T on the coding strand, the complement: LARS1 is on the minus strand). VCF-style: chr5-146171962-C-A. GRCh37 (hg19) VCF-style: chr5-145551525-C-A.
Other names: c.242G>T, p.Gly81Val (NM_001317964.2); c.80G>T, p.Gly27Val (NM_001317965.2); c.213+725G>T (NM_016460.4); short protein forms G81V, G27V.
Identifiers: ClinVar variation 561050 (VCV000561050.2), dbSNP rs1561495759, ClinGen allele CA361616377.